The following is an entry in ClinVar:

NM_014423.4(AFF4):c.3253A>G (p.Ile1085Val)

Gene: AFF4 (ALF transcription elongation factor 4; minus strand). Cytogenetic location: 5q31.1.
Variant type: single nucleotide variant.
Coding change: c.3253A>G on transcript NM_014423.4 (MANE Select); coding-DNA position 3253, A replaced by G.
Protein change: p.Ile1085Val; replaces isoleucine 1085 with valine.
Molecular consequence: missense variant.
Genome position (GRCh38, 1-based): chr5:132,883,451, T>C on the plus strand (A>G on the coding strand, the complement: AFF4 is on the minus strand). VCF-style: chr5-132883451-T-C. GRCh37 (hg19) VCF-style: chr5-132219143-T-C.
Other names: short protein forms I1085V.
Identifiers: ClinVar variation 3350970 (VCV003350970.1).

ClinVar aggregate classification (germline): Uncertain significance (0 of 4 stars; one submission).

Conditions:
AFF4-related disorder. Also called: AFF4-related condition.

gnomAD v4.1: 3 of 1,614,112 alleles (0.00019%); highest among the groups gnomAD compares: East Asian, 0.0022%; no homozygotes.

Submission:

PreventionGenetics, part of Exact Sciences
Classification: Uncertain significance for AFF4-related condition. Last evaluated: 2024-08-28. Review status: no assertion criteria provided. Collection method: clinical testing. Allele origin: germline.
Comment: The AFF4 c.3253A>G variant is predicted to result in the amino acid substitution p.Ile1085Val. To our knowledge, this variant has not been reported in the literature or in a large population database, indicating this variant is rare. At this time, the clinical significance of this variant is uncertain due to the absence of conclusive functional and genetic evidence.